The following is an entry in ClinVar:

ClinVar aggregate classification (germline): Likely benign (1 of 4 stars; one submission).

Allele frequency attached by ClinVar (database versions not stated): TOPMed 0.00003 and 0.00002; ExAC 0.00003; gnomAD exomes 0.00003.
gnomAD v4.1: 8 of 1,614,038 alleles (0.0005%); highest among the groups gnomAD compares: Admixed American, 0.013%; no homozygotes.

Submission:

GeneDx
Classification: Likely benign. Last evaluated: 2017-11-22. Review status: criteria provided, single submitter. Criteria: GeneDx Variant Classification (06012015). Collection method: clinical testing. Allele origin: germline. Affected: yes.
Comment: This variant is considered likely benign or benign based on one or more of the following criteria: it is a conservative change, it occurs at a poorly conserved position in the protein, it is predicted to be benign by multiple in silico algorithms, and/or has population frequency not consistent with disease.

NM_013391.3(DMGDH):c.1779A>G (p.Leu593=)

Gene: DMGDH (dimethylglycine dehydrogenase; minus strand). Cytogenetic location: 5q14.1.
Variant type: single nucleotide variant.
Coding change: c.1779A>G on transcript NM_013391.3 (MANE Select); coding-DNA position 1779, A replaced by G.
Protein change: p.Leu593=; no amino-acid change (leucine 593 retained).
Molecular consequence: synonymous variant. On other transcripts: non-coding transcript variant (2).
Genome position (GRCh38, 1-based): chr5:79,029,939, T>C on the plus strand (A>G on the coding strand, the complement: DMGDH is on the minus strand). VCF-style: chr5-79029939-T-C. GRCh37 (hg19) VCF-style: chr5-78325762-T-C.
Identifiers: ClinVar variation 513282 (VCV000513282.1), dbSNP rs760774513, ClinGen allele CA3318628.